The following is an entry in ClinVar:

NM_198252.3(GSN):c.269G>T (p.Gly90Val)

Gene: GSN (gelsolin; plus strand). Cytogenetic location: 9q33.2.
Variant type: single nucleotide variant.
Coding change: c.269G>T on transcript NM_198252.3 (MANE Select); coding-DNA position 269, G replaced by T.
Protein change: p.Gly90Val; replaces glycine 90 with valine.
Molecular consequence: missense variant. On other transcripts: 5 prime UTR variant (1).
Genome position (GRCh38, 1-based): chr9:121,302,983, G>T. VCF-style: chr9-121302983-G-T. GRCh37 (hg19) VCF-style: chr9-124065261-G-T.
Other names: c.422G>T (NM_000177.4); c.422G>T, p.Gly141Val (NM_000177.5); c.269G>T, p.Gly90Val (NM_001127662.2, NM_001127664.2, NM_001127665.2 and 10 more transcripts); c.377G>T, p.Gly126Val (NM_001127663.2); c.302G>T, p.Gly101Val (NM_001127666.2, NM_001127667.2, NM_001353063.2 and 13 more transcripts); c.320G>T, p.Gly107Val (NM_001258029.2); c.293G>T, p.Gly98Val (NM_001258030.2); c.341G>T, p.Gly114Val (NM_001353076.2); and 1 more; short protein forms G114V, G101V, G107V, G126V, G141V, G90V, G98V.
Identifiers: ClinVar variation 1899114 (VCV001899114.6), dbSNP rs758988443, ClinGen allele CA5220823.

ClinVar aggregate classification (germline): Uncertain significance. Review status: criteria provided, multiple submitters, no conflicts (2 of 4 stars). 2 submissions from 2 submitters: Uncertain significance (2). Last evaluated 2025-10-19.

Conditions:
Inborn genetic diseases. Identifiers: MedGen C0950123, MeSH D030342.

Allele frequency attached by ClinVar (database versions not stated): gnomAD exomes below 0.00001; ExAC 0.00001; gnomAD 0.00004; TOPMed 0.00005.
gnomAD v4.1: 11 of 1,613,836 alleles (0.00068%); highest among the groups gnomAD compares: African/African-American, 0.015%; no homozygotes.

Submissions (2):

Labcorp Genetics (formerly Invitae), Labcorp
Classification: Uncertain significance. Last evaluated: 2025-10-19. Review status: criteria provided, single submitter. Criteria: Invitae Variant Classification Sherloc (09022015). Collection method: clinical testing. Allele origin: germline.
Comment: This sequence change replaces glycine, which is neutral and non-polar, with valine, which is neutral and non-polar, at codon 141 of the GSN protein (p.Gly141Val). This variant is present in population databases (rs758988443, gnomAD 0.02%). This variant has not been reported in the literature in individuals affected with GSN-related conditions. ClinVar contains an entry for this variant (Variation ID: 1899114). An algorithm developed to predict the effect of missense changes on protein structure and function (PolyPhen-2) suggests that this variant is likely to be disruptive. In summary, the available evidence is currently insufficient to determine the role of this variant in disease. Therefore, it has been classified as a Variant of Uncertain Significance.

Ambry Genetics
Classification: Uncertain significance for Inborn genetic diseases. Last evaluated: 2025-07-16. Review status: criteria provided, single submitter. Criteria: Ambry Variant Classification Scheme 2023. Collection method: clinical testing. Allele origin: germline.